The following is an entry in ClinVar:

ClinVar aggregate classification (germline): Likely pathogenic (1 of 4 stars; one submission).

Conditions:
CEP164-related disorder. Also called: CEP164-related condition.

Submission:

PreventionGenetics, part of Exact Sciences
Classification: Likely pathogenic for CEP164-related condition. Last evaluated: 2026-06-19. Review status: criteria provided, single submitter. Criteria: ACMG Guidelines, 2015. Collection method: clinical testing. Allele origin: germline.
Comment: The CEP164 c.3930dupC variant is predicted to result in a frameshift and premature protein termination (p.Thr1311Hisfs*79). To our knowledge, this variant has not been reported in the literature. This variant is reported in 0.0087% of alleles in individuals of Latino descent in gnomAD. Frameshift variants in CEP164 are expected to be pathogenic. This variant is interpreted as likely pathogenic.

NM_014956.5(CEP164):c.3930dup (p.Thr1311fs)

Gene: CEP164 (centrosomal protein 164; plus strand). Cytogenetic location: 11q23.3.
Variant type: Duplication.
Coding change: c.3930dup on transcript NM_014956.5 (MANE Select); coding-DNA position 3930, one base duplicated (C; older notation c.3930dupC).
Protein change: p.Thr1311fs; shifts the reading frame from threonine 1311.
Molecular consequence: frameshift variant.
Genome position (GRCh38, 1-based): chr11:117,409,799, C duplicated; the last of 5 consecutive C bases (chr11:117,409,795-117,409,799); duplicating any one gives the same sequence. VCF-style (leftmost placement, unchanged base first): chr11-117409794-A-AC. GRCh37 (hg19) VCF-style: chr11-117280510-A-AC.
Other names: c.3915dup, p.Thr1306fs (NM_001271933.2); c.3936dup, p.Thr1313fs (NM_001440949.1); c.3930dup, p.Thr1311fs (NM_001440950.1, NM_001440951.1); c.3921dup, p.Thr1308fs (NM_001440952.1); c.3906dup, p.Thr1303fs (NM_001440953.1); c.3852dup, p.Thr1285fs (NM_001440954.1, NM_001440955.1); c.3843dup, p.Thr1282fs (NM_001440956.1); c.3840dup, p.Thr1281fs (NM_001440957.1); and 21 more; short protein forms T1183fs, T1186fs, T1207fs, T1235fs, T1250fs, T1233fs, T1268fs, T1281fs.
Identifiers: ClinVar variation 4992786 (VCV004992786.1).